The following is an entry in ClinVar:

NC_000014.9:g.(?_50613249)_(50632349_?)dup

Gene: ATL1 (atlastin GTPase 1; plus strand). Cytogenetic location: 14q22.1.
Variant type: Duplication.
Identifiers: ClinVar variation 832336 (VCV000832336.6).

ClinVar aggregate classification (germline): Uncertain significance (1 of 4 stars; one submission).

Conditions:
Hereditary spastic paraplegia 3A (SPG3A). Also called: Spastic paraplegia 3A, autosomal dominant; SPASTIC PARAPLEGIA 3, AUTOSOMAL DOMINANT; FAMILIAL SPASTIC PARAPLEGIA, AUTOSOMAL DOMINANT, 1; SPG3; STRUMPELL DISEASE; Spastic Paraplegia 3A. Identifiers: Orphanet 100984, MedGen C2931355, MONDO:0008437, OMIM 182600.

Submission:

Labcorp Genetics (formerly Invitae), Labcorp
Classification: Uncertain significance for Hereditary spastic paraplegia 3A. Last evaluated: 2019-04-25. Review status: criteria provided, single submitter. Criteria: Invitae Variant Classification Sherloc (09022015). Collection method: clinical testing. Allele origin: germline.
Comment: This variant has not been reported in the literature in individuals with ATL1-related conditions. This variant results in a copy number gain of the genomic region encompassing exons 7-14 of the ATL1 gene. The 5' boundary is likely confined to intron 6. The 3' end of this event is unknown as it extends beyond the assayed region for this gene and therefore may encompass additional genes. As the precise location of this event is unknown, it may be in tandem or it may be located elsewhere in the genome. In summary, the available evidence is currently insufficient to determine the role of this variant in disease. Therefore, it has been classified as a Variant of Uncertain Significance.